The following is an entry in ClinVar:

NM_006086.4(TUBB3):c.109G>A (p.Val37Met)

Gene: TUBB3 (tubulin beta 3 class III; plus strand). Cytogenetic location: 16q24.3.
Variant type: single nucleotide variant.
Coding change: c.109G>A on transcript NM_006086.4 (MANE Select); coding-DNA position 109, G replaced by A.
Protein change: p.Val37Met; replaces valine 37 with methionine.
Molecular consequence: missense variant. On other transcripts: 5 prime UTR variant (1).
Genome position (GRCh38, 1-based): chr16:89,932,622, G>A. VCF-style: chr16-89932622-G-A. GRCh37 (hg19) VCF-style: chr16-89999030-G-A.
Other names: c.-108G>A (NM_001197181.2); short protein forms V37M.
Identifiers: ClinVar variation 378837 (VCV000378837.5), dbSNP rs372720472, ClinGen allele CA8255943.
Genomic context (GRCh38, chr16:89,932,622, plus strand): 5'-TGTTTGCAGTTCTGGGAAGTCATCAGTGATGAGCATGGCATCGACCCCAGCGGCAACTAC[G>A]TGGGCGACTCGGACTTGCAGCTGGAGCGGATCAGCGTCTACTACAACGAGGCCTCTTGTG-3'
Protein context (NP_006077.2, residues 27-47): EHGIDPSGNY[Val37Met]GDSDLQLERI

ClinVar aggregate classification (germline): Conflicting classifications of pathogenicity. Review status: criteria provided, conflicting classifications (1 of 4 stars). 2 submissions from 2 submitters: Uncertain significance (1); Benign (1). Last evaluated 2025-03-03.

Allele frequency attached by ClinVar (database versions not stated): TOPMed 0.00003; ExAC 0.00004; gnomAD 0.00004; ESP Exome Variant Server 0.00008; gnomAD exomes 0.00002.
gnomAD v4.1: 43 of 1,614,054 alleles (0.0027%); highest among the groups gnomAD compares: Middle Eastern, 0.016%; no homozygotes.

Submissions (2):

Labcorp Genetics (formerly Invitae), Labcorp
Classification: Benign. Last evaluated: 2025-03-03. Review status: criteria provided, single submitter. Criteria: Invitae Variant Classification Sherloc (09022015). Collection method: clinical testing. Allele origin: germline.

GeneDx
Classification: Uncertain significance. Last evaluated: 2016-05-16. Review status: criteria provided, single submitter. Criteria: GeneDx Variant Classification (06012015). Collection method: clinical testing. Allele origin: germline. Affected: yes.
Comment: The V37M variant of uncertain significance has not been published as a pathogenic variant, nor has it been reported as a benign variant to our knowledge. It was not observed with any significant frequency in approximately 6,500 individuals of European and African American ancestry in the NHLBI Exome Sequencing Project. This substitution occurs at a position that is conserved in mammals. However, the V37M variant is a conservative amino acid substitution, which is not likely to impact secondary protein structure as these residues share similar properties. In silico analysis is inconsistent in its predictions as to whether or not the variant is damaging to the protein structure/function. Therefore, based on the currently available information, it is unclear whether this variant is a pathogenic variant or a rare benign variant.